The following is an entry in ClinVar:

NM_013447.4(ADGRE2):c.2138G>C (p.Arg713Thr)

Gene: ADGRE2 (adhesion G protein-coupled receptor E2; minus strand). Cytogenetic location: 19p13.12.
Variant type: single nucleotide variant.
Coding change: c.2138G>C on transcript NM_013447.4 (MANE Select); coding-DNA position 2138, G replaced by C.
Protein change: p.Arg713Thr; replaces arginine 713 with threonine.
Molecular consequence: missense variant.
Genome position (GRCh38, 1-based): chr19:14,746,277, C>G on the plus strand (G>C on the coding strand, the complement: ADGRE2 is on the minus strand). VCF-style: chr19-14746277-C-G. GRCh37 (hg19) VCF-style: chr19-14857089-C-G.
Other names: c.2138G>C (NM_013447.2); c.1964G>C, p.Arg655Thr (NM_001271052.1); c.1991G>C, p.Arg664Thr (NM_152916.2); c.1859G>C, p.Arg620Thr (NM_152917.2); short protein forms R620T, R664T, R713T, R655T.
Identifiers: ClinVar variation 2085868 (VCV002085868.5), dbSNP rs200295887, ClinGen allele CA9257458.

ClinVar aggregate classification (germline): Uncertain significance. Review status: criteria provided, multiple submitters, no conflicts (2 of 4 stars). 2 submissions from 2 submitters: Uncertain significance (2). Last evaluated 2024-04-15.

Allele frequency attached by ClinVar (database versions not stated): ESP Exome Variant Server 0.00031.
gnomAD v4.1: 75 of 1,611,210 alleles (0.0047%); highest among the groups gnomAD compares: African/African-American, 0.09%; no homozygotes.

Submissions (2):

Labcorp Genetics (formerly Invitae), Labcorp
Classification: Uncertain significance. Last evaluated: 2024-04-15. Review status: criteria provided, single submitter. Criteria: Invitae Variant Classification Sherloc (09022015). Collection method: clinical testing. Allele origin: germline.
Comment: This sequence change replaces arginine, which is basic and polar, with threonine, which is neutral and polar, at codon 713 of the ADGRE2 protein (p.Arg713Thr). This variant is present in population databases (rs200295887, gnomAD 0.1%), and has an allele count higher than expected for a pathogenic variant. This variant has not been reported in the literature in individuals affected with ADGRE2-related conditions. ClinVar contains an entry for this variant (Variation ID: 2085868). An algorithm developed to predict the effect of missense changes on protein structure and function (PolyPhen-2) suggests that this variant is likely to be tolerated. In summary, the available evidence is currently insufficient to determine the role of this variant in disease. Therefore, it has been classified as a Variant of Uncertain Significance.

Ambry Genetics
Classification: Uncertain significance. Last evaluated: 2023-12-14. Review status: criteria provided, single submitter. Criteria: Ambry Variant Classification Scheme 2023. Collection method: clinical testing. Allele origin: germline.